The following is an entry in ClinVar:

NM_018006.5(TRMU):c.430G>A (p.Val144Ile)

Gene: TRMU (tRNA mitochondrial 2-thiouridylase; plus strand). Cytogenetic location: 22q13.31.
Variant type: single nucleotide variant.
Coding change: c.430G>A on transcript NM_018006.5 (MANE Select); coding-DNA position 430, G replaced by A.
Protein change: p.Val144Ile; replaces valine 144 with isoleucine.
Molecular consequence: missense variant. On other transcripts: synonymous variant (2), non-coding transcript variant (2).
Genome position (GRCh38, 1-based): chr22:46,346,496, G>A. VCF-style: chr22-46346496-G-A. GRCh37 (hg19) VCF-style: chr22-46742393-G-A.
Other names: p.V144I:GTT>ATT; c.88G>A, p.Val30Ile (NM_001282782.2); c.69G>A, p.Thr23= (NM_001282783.2, NM_001282784.2); c.430G>A, p.Val144Ile (NM_001282785.2); short protein forms V144I, V30I.
Identifiers: ClinVar variation 215278 (VCV000215278.5), dbSNP rs367570778, ClinGen allele CA324655.
Genomic context (GRCh38, chr22:46,346,496, plus strand): 5'-GCCACAGGTCACTATGCAAGAACTTCCCTGGAAGATGAAGAAGTCTTTGAGCAGAAGCAC[G>A]TTAAGAAGCCCGAAGGGCTTTTCAGAAATCGGTTTGAAGTTAGAAATGGTAAGTTCATGT-3'
Protein context (NP_060476.2, residues 134-154): EDEEVFEQKH[Val144Ile]KKPEGLFRNR

ClinVar aggregate classification (germline): Conflicting classifications of pathogenicity. Review status: criteria provided, conflicting classifications (1 of 4 stars). 4 submissions from 4 submitters: Uncertain significance (1); Likely benign (2). 1 of the submissions does not count toward it. Last evaluated 2024-12-12.

Conditions:
TRMU-related disorder. Also called: TRMU-related condition.
Inborn genetic diseases. Identifiers: MedGen C0950123, MeSH D030342.

Allele frequency attached by ClinVar (database versions not stated): ExAC 0.00006; gnomAD exomes 0.00011 and 0.00010; TOPMed 0.00011; ESP Exome Variant Server 0.00008; gnomAD 0.00010.

Submissions (4):

Labcorp Genetics (formerly Invitae), Labcorp
Classification: Uncertain significance. Last evaluated: 2024-12-12. Review status: criteria provided, single submitter. Criteria: Invitae Variant Classification Sherloc (09022015). Collection method: clinical testing. Allele origin: germline.
Comment: This sequence change replaces valine, which is neutral and non-polar, with isoleucine, which is neutral and non-polar, at codon 144 of the TRMU protein (p.Val144Ile). This variant is present in population databases (rs367570778, gnomAD 0.02%). This variant has not been reported in the literature in individuals affected with TRMU-related conditions. ClinVar contains an entry for this variant (Variation ID: 215278). Invitae Evidence Modeling of protein sequence and biophysical properties (such as structural, functional, and spatial information, amino acid conservation, physicochemical variation, residue mobility, and thermodynamic stability) indicates that this missense variant is not expected to disrupt TRMU protein function with a negative predictive value of 95%. In summary, the available evidence is currently insufficient to determine the role of this variant in disease. Therefore, it has been classified as a Variant of Uncertain Significance.

Ambry Genetics
Classification: Likely benign for Inborn genetic diseases. Last evaluated: 2022-01-10. Review status: criteria provided, single submitter. Criteria: Ambry Variant Classification Scheme 2023. Collection method: clinical testing. Allele origin: germline.

GeneDx
Classification: Likely benign. Last evaluated: 2014-04-02. Review status: criteria provided, single submitter. Criteria: GeneDx Variant Classification (06012015). Collection method: clinical testing. Allele origin: germline. Affected: yes.
Comment: This variant is considered likely benign or benign based on one or more of the following criteria: it is a conservative change, it occurs at a poorly conserved position in the protein, it is predicted to be benign by multiple in silico algorithms, and/or has population frequency not consistent with disease.

PreventionGenetics, part of Exact Sciences
Classification: Uncertain significance for TRMU-related condition. Last evaluated: 2024-04-25. Review status: no assertion criteria provided. Collection method: clinical testing. Allele origin: germline. Not counted in ClinVar's aggregate classification.
Comment: The TRMU c.430G>A variant is predicted to result in the amino acid substitution p.Val144Ile. To our knowledge, this variant has not been reported in the literature. This variant is reported in 0.017% of alleles in individuals of European (Non-Finnish) descent in gnomAD with one homozygote in gnomAD V4. Although we suspect that this variant may be benign, at this time, the clinical significance of this variant is uncertain due to the absence of conclusive functional and genetic evidence.